The following is an entry in ClinVar:

NM_001374353.1(GLI2):c.1414A>C (p.Met472Leu)

Gene: GLI2 (GLI family zinc finger 2; plus strand). Cytogenetic location: 2q14.2.
Variant type: single nucleotide variant.
Coding change: c.1414A>C on transcript NM_001374353.1 (MANE Select); coding-DNA position 1414, A replaced by C.
Protein change: p.Met472Leu; replaces methionine 472 with leucine.
Molecular consequence: missense variant.
Genome position (GRCh38, 1-based): chr2:120,978,530, A>C. VCF-style: chr2-120978530-A-C. GRCh37 (hg19) VCF-style: chr2-121736106-A-C.
Other names: c.1465A>C, p.Met489Leu (NM_001371271.1, NM_005270.5); c.1039A>C, p.Met347Leu (NM_001374354.1); short protein forms M347L, M472L, M489L.
Identifiers: ClinVar variation 5006060 (VCV005006060.2).

ClinVar aggregate classification (germline): Uncertain significance (1 of 4 stars; one submission).

Conditions:
Postaxial polydactyly-anterior pituitary anomalies-facial dysmorphism syndrome. Also called: Culler-Jones syndrome. Identifiers: Orphanet 420584, MedGen C4014479, MONDO:0014369, OMIM 615849.
Holoprosencephaly 9 (HPE9). Also called: PITUITARY ANOMALIES WITH HOLOPROSENCEPHALY-LIKE FEATURES; HOLOPROSENCEPHALY WITH MICROPHTHALMIA AND FIRST BRANCHIAL ARCH ANOMALIES. Identifiers: Orphanet 2162, MedGen C1835819, MONDO:0012563, OMIM 610829.

Submission:

Juno Genomics, Hangzhou Juno Genomics, Inc
Classification: Uncertain significance for Holoprosencephaly 9; Postaxial polydactyly-anterior pituitary anomalies-facial dysmorphism syndrome. Review status: criteria provided, single submitter. Criteria: ACMG Guidelines, 2015. Collection method: clinical testing. Allele origin: germline.
Comment: Absent from controls (or at extremely low frequency if recessive) in Genome Aggregation Database.;Multiple lines of computational evidence support a deleterious effect on the gene or gene product.